The following is an entry in ClinVar:

NM_001145252.3(CFP):c.430C>T (p.Pro144Ser)

Gene: CFP (complement factor properdin; minus strand). Cytogenetic location: Xp11.23.
Variant type: single nucleotide variant.
Coding change: c.430C>T on transcript NM_001145252.3 (MANE Select); coding-DNA position 430, C replaced by T.
Protein change: p.Pro144Ser; replaces proline 144 with serine.
Molecular consequence: missense variant.
Genome position (GRCh38, 1-based): chrX:47,627,615, G>A on the plus strand (C>T on the coding strand, the complement: CFP is on the minus strand). VCF-style: chrX-47627615-G-A. GRCh37 (hg19) VCF-style: chrX-47487014-G-A.
Other names: c.430C>T, p.Pro144Ser (NM_002621.2); short protein forms P144S.
Identifiers: ClinVar variation 3651544 (VCV003651544.2).

ClinVar aggregate classification (germline): Uncertain significance (1 of 4 stars; one submission).

Submission:

Labcorp Genetics (formerly Invitae), Labcorp
Classification: Uncertain significance. Last evaluated: 2024-04-29. Review status: criteria provided, single submitter. Criteria: Invitae Variant Classification Sherloc (09022015). Collection method: clinical testing. Allele origin: germline.
Comment: This sequence change replaces proline, which is neutral and non-polar, with serine, which is neutral and polar, at codon 144 of the CFP protein (p.Pro144Ser). This variant is not present in population databases (gnomAD no frequency). This variant has not been reported in the literature in individuals affected with CFP-related conditions. Advanced modeling of protein sequence and biophysical properties (such as structural, functional, and spatial information, amino acid conservation, physicochemical variation, residue mobility, and thermodynamic stability) performed at Invitae indicates that this missense variant is not expected to disrupt CFP protein function with a negative predictive value of 80%. In summary, the available evidence is currently insufficient to determine the role of this variant in disease. Therefore, it has been classified as a Variant of Uncertain Significance.